The following is an entry in ClinVar:

NM_000843.4(GRM6):c.2305G>A (p.Ala769Thr)

Genes: GRM6 (glutamate metabotropic receptor 6; minus strand), ZNF454 (zinc finger protein 454; plus strand). Cytogenetic location: 5q35.3.
Variant type: single nucleotide variant.
Coding change: c.2305G>A on transcript NM_000843.4 (MANE Select); coding-DNA position 2305, G replaced by A.
Protein change: p.Ala769Thr; replaces alanine 769 with threonine.
Molecular consequence: missense variant.
Genome position (GRCh38, 1-based): chr5:178,983,041, C>T on the plus strand (G>A on the coding strand, the complement: GRM6 is on the minus strand). VCF-style: chr5-178983041-C-T. GRCh37 (hg19) VCF-style: chr5-178410042-C-T.
Other names: short protein forms A769T.
Identifiers: ClinVar variation 1411275 (VCV001411275.8), dbSNP rs1026055540, ClinGen allele CA133017450.

ClinVar aggregate classification (germline): Uncertain significance. Review status: criteria provided, multiple submitters, no conflicts (2 of 4 stars). 2 submissions from 2 submitters: Uncertain significance (2). Last evaluated 2025-03-17.

Conditions:
Congenital stationary night blindness 1B. Also called: Night blindness, congenital stationary (complete), 1B, autosomal recessive; NIGHT BLINDNESS, CONGENITAL STATIONARY, COMPLETE, AUTOSOMAL RECESSIVE. Identifiers: Orphanet 215, MedGen C1850362, MONDO:0009758, OMIM 257270.

Allele frequency attached by ClinVar (database versions not stated): gnomAD 0.00001 and 0.00002; gnomAD exomes 0.00001; TOPMed 0.00001.
gnomAD v4.1: 19 of 1,614,042 alleles (0.0012%); highest among the groups gnomAD compares: East Asian, 0.0022%; no homozygotes.

Submissions (2):

Labcorp Genetics (formerly Invitae), Labcorp
Classification: Uncertain significance. Last evaluated: 2025-03-17. Review status: criteria provided, single submitter. Criteria: Invitae Variant Classification Sherloc (09022015). Collection method: clinical testing. Allele origin: germline.
Comment: This sequence change replaces alanine, which is neutral and non-polar, with threonine, which is neutral and polar, at codon 769 of the GRM6 protein (p.Ala769Thr). This variant is present in population databases (no rsID available, gnomAD 0.007%). This variant has not been reported in the literature in individuals affected with GRM6-related conditions. ClinVar contains an entry for this variant (Variation ID: 1411275). Invitae Evidence Modeling of protein sequence and biophysical properties (such as structural, functional, and spatial information, amino acid conservation, physicochemical variation, residue mobility, and thermodynamic stability) has been performed for this missense variant. However, the output from this modeling did not meet the statistical confidence thresholds required to predict the impact of this variant on GRM6 protein function. In summary, the available evidence is currently insufficient to determine the role of this variant in disease. Therefore, it has been classified as a Variant of Uncertain Significance.

Juno Genomics, Hangzhou Juno Genomics, Inc
Classification: Uncertain significance for Congenital stationary night blindness 1B. Review status: criteria provided, single submitter. Criteria: ACMG Guidelines, 2015. Collection method: clinical testing. Allele origin: germline.
Comment: Absent from controls (or at extremely low frequency if recessive) in Genome Aggregation Database.;Multiple lines of computational evidence support a deleterious effect on the gene or gene product.